The following is an entry in ClinVar:

NM_000465.4(BARD1):c.1266G>C (p.Val422=)

Gene: BARD1 (BRCA1 associated RING domain 1; minus strand). Cytogenetic location: 2q35.
Variant type: single nucleotide variant.
Coding change: c.1266G>C on transcript NM_000465.4 (MANE Select); coding-DNA position 1266, G replaced by C.
Protein change: p.Val422=; no amino-acid change (valine 422 retained).
Molecular consequence: synonymous variant. On other transcripts: non-coding transcript variant (2), intron variant (3).
Genome position (GRCh38, 1-based): chr2:214,780,608, C>G on the plus strand (G>C on the coding strand, the complement: BARD1 is on the minus strand). VCF-style: chr2-214780608-C-G. GRCh37 (hg19) VCF-style: chr2-215645332-C-G.
Other names: c.1209G>C, p.Val403= (NM_001282543.2); c.159-28053G>C (NM_001282548.2); c.215+16453G>C (NM_001282545.2); c.364+11689G>C (NM_001282549.2).
Identifiers: ClinVar variation 3378710 (VCV003378710.1).

ClinVar aggregate classification (germline): Benign (1 of 4 stars; one submission).

Conditions:
Familial cancer of breast. Also called: hereditary breast carcinoma; Hereditary breast cancer; BREAST CANCER, FAMILIAL. Identifiers: Orphanet 227535, MedGen C0346153, MONDO:0016419, OMIM 114480. Disease mechanism: loss of function.

Submission:

Myriad Genetics, Inc.
Classification: Benign for Familial cancer of breast. Last evaluated: 2024-07-24. Review status: criteria provided, single submitter. Criteria: Myriad Autosomal Dominant, Autosomal Recessive and X-Linked Classification Criteria (2023). Collection method: clinical testing. Allele origin: unknown.
Comment: This variant is considered benign. This variant is a silent/synonymous amino acid change and it is not expected to impact splicing.